The following is an entry in ClinVar:

NM_005576.4(LOXL1):c.1699A>G (p.Thr567Ala)

Gene: LOXL1 (lysyl oxidase like 1; plus strand). Cytogenetic location: 15q24.1.
Variant type: single nucleotide variant.
Coding change: c.1699A>G on transcript NM_005576.4 (MANE Select); coding-DNA position 1699, A replaced by G.
Protein change: p.Thr567Ala; replaces threonine 567 with alanine.
Molecular consequence: missense variant.
Genome position (GRCh38, 1-based): chr15:73,949,555, A>G. VCF-style: chr15-73949555-A-G. GRCh37 (hg19) VCF-style: chr15-74241896-A-G.
Other names: NC_000015.9:g.74241896A>G; short protein forms T567A.
Identifiers: ClinVar variation 3041918 (VCV003041918.3), dbSNP rs143555452, ClinGen allele CA7651844.

ClinVar aggregate classification (germline): Benign (0 of 4 stars; one submission).

Conditions:
LOXL1-related disorder. Also called: LOXL1-related condition.

Allele frequency attached by ClinVar (database versions not stated): ExAC 0.00060; ESP Exome Variant Server 0.00177; gnomAD 0.00185; 1000 Genomes Project 0.00220; TOPMed 0.00229; 1000 Genomes Project 30x 0.00234.
gnomAD v4.1: 694 of 1,613,576 alleles (0.043%); highest among the groups gnomAD compares: African/African-American, 0.57%; 1 homozygote.

Submissions (2):

PreventionGenetics, part of Exact Sciences
Classification: Benign for LOXL1-related condition. Last evaluated: 2019-07-01. Review status: no assertion criteria provided. Collection method: clinical testing. Allele origin: germline.
Comment: This variant is classified as benign based on ACMG/AMP sequence variant interpretation guidelines (Richards et al. 2015 PMID: 25741868, with internal and published modifications).

Dr. Peter K. Rogan Lab, Western University
No classification provided (evidence only). Condition: Uterine carcinosarcoma. Review status: no classification provided. Collection method: in vitro. Allele origin: not applicable. Functional consequence: skipped exon, retained intron. Not counted in ClinVar's aggregate classification.